The following is an entry in ClinVar:

NM_000264.5(PTCH1):c.-14G>T

Genes: PTCH1 (patched 1; minus strand), LOC130002133 (ATAC-STARR-seq lymphoblastoid silent region 20071; plus strand). Cytogenetic location: 9q22.32.
Variant type: single nucleotide variant.
Coding change: c.-14G>T on transcript NM_000264.5 (MANE Select); 14 bases upstream of the start codon, G replaced by T.
Molecular consequence: 5 prime UTR variant. On other transcripts: non-coding transcript variant (1), intron variant (3).
Genome position (GRCh38, 1-based): chr9:95,508,375, C>A on the plus strand (G>T on the coding strand, the complement: PTCH1 is on the minus strand). VCF-style: chr9-95508375-C-A. GRCh37 (hg19) VCF-style: chr9-98270657-C-A.
Other names: c.-14G>T (NM_001354918.2); c.199-1776G>T (NM_001083603.3); c.4-1776G>T (NM_001083602.3, NM_001354919.2).
Identifiers: ClinVar variation 390472 (VCV000390472.1), dbSNP rs1057523782, ClinGen allele CA16605925.
Genomic context (GRCh38, chr9:95,508,375, plus strand): 5'-CCGCCGCCGCGGTCCTGGGGCTCGGCGGCGTTACCAGCCGAGGCCATGTTGCCGCCGCCG[C>A]CGCCGCCGCCGCGGGGACGGAGGCTTCCCGGGCGGCCCGGCGCGCTGCTGCCGCTGCTGC-3'

ClinVar aggregate classification (germline): Likely benign (1 of 4 stars; one submission).

Allele frequency attached by ClinVar (database versions not stated): gnomAD exomes below 0.00001; TOPMed below 0.00001.
gnomAD v4.1: 3 of 1,157,804 alleles (0.00026%); highest among the groups gnomAD compares: Non-Finnish European, 0.00032%; no homozygotes.

Submission:

GeneDx
Classification: Likely benign. Last evaluated: 2016-10-31. Review status: criteria provided, single submitter. Criteria: GeneDx Variant Classification (06012015). Collection method: clinical testing. Allele origin: germline. Affected: yes.
Comment: This variant is considered likely benign or benign based on one or more of the following criteria: it is a conservative change, it occurs at a poorly conserved position in the protein, it is predicted to be benign by multiple in silico algorithms, and/or has population frequency not consistent with disease.